The following is an entry in ClinVar:

ClinVar aggregate classification (germline): Uncertain significance. Review status: criteria provided, multiple submitters, no conflicts (2 of 4 stars). 2 submissions from 2 submitters: Uncertain significance (2). Last evaluated 2025-06-11.

gnomAD v4.1: 13 of 1,608,204 alleles (0.00081%); highest among the groups gnomAD compares: Admixed American, 0.013%; no homozygotes.

Submissions (2):

Ambry Genetics
Classification: Uncertain significance. Last evaluated: 2025-06-11. Review status: criteria provided, single submitter. Criteria: Ambry Variant Classification Scheme 2023. Collection method: clinical testing. Allele origin: germline.

Labcorp Genetics (formerly Invitae), Labcorp
Classification: Uncertain significance. Last evaluated: 2024-10-07. Review status: criteria provided, single submitter. Criteria: Invitae Variant Classification Sherloc (09022015). Collection method: clinical testing. Allele origin: germline.
Comment: This sequence change replaces arginine, which is basic and polar, with glutamine, which is neutral and polar, at codon 3018 of the HMCN1 protein (p.Arg3018Gln). This variant is present in population databases (rs780839537, gnomAD 0.009%). This variant has not been reported in the literature in individuals affected with HMCN1-related conditions. An algorithm developed to predict the effect of missense changes on protein structure and function (PolyPhen-2) suggests that this variant is likely to be disruptive. In summary, the available evidence is currently insufficient to determine the role of this variant in disease. Therefore, it has been classified as a Variant of Uncertain Significance.

NM_031935.3(HMCN1):c.9053G>A (p.Arg3018Gln)

Gene: HMCN1 (hemicentin 1; plus strand). Cytogenetic location: 1q31.1.
Variant type: single nucleotide variant.
Coding change: c.9053G>A on transcript NM_031935.3 (MANE Select); coding-DNA position 9053, G replaced by A.
Protein change: p.Arg3018Gln; replaces arginine 3018 with glutamine.
Molecular consequence: missense variant.
Genome position (GRCh38, 1-based): chr1:186,087,223, G>A. VCF-style: chr1-186087223-G-A. GRCh37 (hg19) VCF-style: chr1-186056355-G-A.
Other names: c.9053G>A (NM_031935.2); short protein forms R3018Q.
Identifiers: ClinVar variation 3605145 (VCV003605145.3).